The following is an entry in ClinVar:

NM_001018115.3(FANCD2):c.3462A>C (p.Lys1154Asn)

Genes: FANCD2OS (FANCD2 opposite strand; minus strand), FANCD2 (FA complementation group D2; plus strand). Cytogenetic location: 3p25.3.
Variant type: single nucleotide variant.
Coding change: c.3462A>C on transcript NM_001018115.3 (MANE Select); coding-DNA position 3462, A replaced by C.
Protein change: p.Lys1154Asn; replaces lysine 1154 with asparagine.
Molecular consequence: missense variant. On other transcripts: intron variant (1).
Genome position (GRCh38, 1-based): chr3:10,087,260, A>C. VCF-style: chr3-10087260-A-C. GRCh37 (hg19) VCF-style: chr3-10128944-A-C.
Other names: c.3462A>C, p.Lys1154Asn (NM_001319984.2, NM_001374254.1, NM_033084.6); c.3351A>C, p.Lys1117Asn (NM_001374253.1); c.*44-5729T>G (NM_173472.2); short protein forms K1117N, K1154N.
Identifiers: ClinVar variation 1508099 (VCV001508099.8), dbSNP rs1559403678, ClinGen allele CA351752458.

ClinVar aggregate classification (germline): Uncertain significance (1 of 4 stars; one submission).

Conditions:
Fanconi anemia (FA). Also called: Fanconi's anemia. Identifiers: Orphanet 84, MedGen C0015625, MeSH D005199, MONDO:0019391.

Submission:

Labcorp Genetics (formerly Invitae), Labcorp
Classification: Uncertain significance for Fanconi anemia. Last evaluated: 2021-02-06. Review status: criteria provided, single submitter. Criteria: Invitae Variant Classification Sherloc (09022015). Collection method: clinical testing. Allele origin: germline.
Comment: This sequence change replaces lysine with asparagine at codon 1154 of the FANCD2 protein (p.Lys1154Asn). The lysine residue is moderately conserved and there is a moderate physicochemical difference between lysine and asparagine. In summary, the available evidence is currently insufficient to determine the role of this variant in disease. Therefore, it has been classified as a Variant of Uncertain Significance. Algorithms developed to predict the effect of missense changes on protein structure and function are either unavailable or do not agree on the potential impact of this missense change (SIFT: "Tolerated"; PolyPhen-2: "Possibly Damaging"; Align-GVGD: "Class C0"). This variant has not been reported in the literature in individuals with FANCD2-related conditions. This variant is not present in population databases (ExAC no frequency).